The following is an entry in ClinVar:

NM_000760.4(CSF3R):c.913C>G (p.Leu305Val)

Gene: CSF3R (colony stimulating factor 3 receptor; minus strand). Cytogenetic location: 1p34.3.
Variant type: single nucleotide variant.
Coding change: c.913C>G on transcript NM_000760.4 (MANE Select); coding-DNA position 913, C replaced by G.
Protein change: p.Leu305Val; replaces leucine 305 with valine.
Molecular consequence: missense variant.
Genome position (GRCh38, 1-based): chr1:36,472,322, G>C on the plus strand (C>G on the coding strand, the complement: CSF3R is on the minus strand). VCF-style: chr1-36472322-G-C. GRCh37 (hg19) VCF-style: chr1-36937923-G-C.
Other names: c.913C>G, p.Leu305Val (NM_156039.3, NM_172313.3); c.913C>G (NM_000760.3); short protein forms L305V.
Identifiers: ClinVar variation 2757328 (VCV002757328.4), dbSNP rs757390050, ClinGen allele CA769348.

ClinVar aggregate classification (germline): Uncertain significance. Review status: criteria provided, multiple submitters, no conflicts (2 of 4 stars). 2 submissions from 2 submitters: Uncertain significance (2). Last evaluated 2025-11-26.

Conditions:
Inborn genetic diseases. Identifiers: MedGen C0950123, MeSH D030342.
Autosomal recessive severe congenital neutropenia due to CSF3R deficiency. Also called: Neutropenia, severe congenital, 7, autosomal recessive. Identifiers: Orphanet 420702, MedGen C4310764, MONDO:0014865, OMIM 617014.

Allele frequency attached by ClinVar (database versions not stated): gnomAD 0.00001; TOPMed 0.00001; ExAC 0.00001.
gnomAD v4.1: 3 of 1,614,110 alleles (0.00019%); highest among the groups gnomAD compares: Non-Finnish European, 0.00025%; no homozygotes.

Submissions (2):

Labcorp Genetics (formerly Invitae), Labcorp
Classification: Uncertain significance for Autosomal recessive severe congenital neutropenia due to CSF3R deficiency. Last evaluated: 2025-11-26. Review status: criteria provided, single submitter. Criteria: Invitae Variant Classification Sherloc (09022015). Collection method: clinical testing. Allele origin: germline.
Comment: This sequence change replaces leucine, which is neutral and non-polar, with valine, which is neutral and non-polar, at codon 305 of the CSF3R protein (p.Leu305Val). This variant is present in population databases (rs757390050, gnomAD 0.0009%). This variant has not been reported in the literature in individuals affected with CSF3R-related conditions. ClinVar contains an entry for this variant (Variation ID: 2757328). Invitae Evidence Modeling of protein sequence and biophysical properties (such as structural, functional, and spatial information, amino acid conservation, physicochemical variation, residue mobility, and thermodynamic stability) indicates that this missense variant is not expected to disrupt CSF3R protein function with a negative predictive value of 80%. In summary, the available evidence is currently insufficient to determine the role of this variant in disease. Therefore, it has been classified as a Variant of Uncertain Significance.

Ambry Genetics
Classification: Uncertain significance for Inborn genetic diseases. Last evaluated: 2025-06-25. Review status: criteria provided, single submitter. Criteria: Ambry Variant Classification Scheme 2023. Collection method: clinical testing. Allele origin: germline.